The following is an entry in ClinVar:

ClinVar aggregate classification (germline): Uncertain significance (1 of 4 stars; one submission).

Allele frequency attached by ClinVar (database versions not stated): gnomAD exomes below 0.00001.
gnomAD v4.1: 2 of 1,613,214 alleles (0.00012%); highest among the groups gnomAD compares: Non-Finnish European, 0.00017%; no homozygotes.

Submission:

GeneDx
Classification: Uncertain significance. Last evaluated: 2023-12-07. Review status: criteria provided, single submitter. Criteria: GeneDx Variant Classification Process June 2021. Collection method: clinical testing. Allele origin: germline. Affected: yes.
Comment: Not observed at significant frequency in large population cohorts (gnomAD); In silico analysis supports that this missense variant does not alter protein structure/function; Has not been previously published as pathogenic or benign to our knowledge

NM_004370.6(COL12A1):c.727A>G (p.Lys243Glu)

Gene: COL12A1 (collagen type XII alpha 1 chain; minus strand). Cytogenetic location: 6q13.
Variant type: single nucleotide variant.
Coding change: c.727A>G on transcript NM_004370.6 (MANE Select); coding-DNA position 727, A replaced by G.
Protein change: p.Lys243Glu; replaces lysine 243 with glutamic acid.
Molecular consequence: missense variant. On other transcripts: intron variant (2).
Genome position (GRCh38, 1-based): chr6:75,189,313, T>C on the plus strand (A>G on the coding strand, the complement: COL12A1 is on the minus strand). VCF-style: chr6-75189313-T-C. GRCh37 (hg19) VCF-style: chr6-75899029-T-C.
Other names: c.727A>G, p.Lys243Glu (NM_001424113.1, NM_001424114.1, NM_001424115.1); c.73+13407A>G (NM_001424116.1, NM_080645.3); short protein forms K243E.
Identifiers: ClinVar variation 3252484 (VCV003252484.1), dbSNP rs1769801626.